The following is an entry in ClinVar:

NM_001999.4(FBN2):c.251G>A (p.Arg84Gln)

Gene: FBN2 (fibrillin 2; minus strand). Cytogenetic location: 5q23.3.
Variant type: single nucleotide variant.
Coding change: c.251G>A on transcript NM_001999.4 (MANE Select); coding-DNA position 251, G replaced by A.
Protein change: p.Arg84Gln; replaces arginine 84 with glutamine.
Molecular consequence: missense variant.
Genome position (GRCh38, 1-based): chr5:128,537,353, C>T on the plus strand (G>A on the coding strand, the complement: FBN2 is on the minus strand). VCF-style: chr5-128537353-C-T. GRCh37 (hg19) VCF-style: chr5-127873046-C-T.
Other names: short protein forms R84Q.
Identifiers: ClinVar variation 1039471 (VCV001039471.16), dbSNP rs747084358, ClinGen allele CA3396197.

ClinVar aggregate classification (germline): Conflicting classifications of pathogenicity. Review status: criteria provided, conflicting classifications (1 of 4 stars). 2 submissions from 2 submitters: Uncertain significance (1); Benign (1). Last evaluated 2022-12-06.

Conditions:
Congenital contractural arachnodactyly (CCA). Also called: BEALS SYNDROME; Beals-Hecht syndrome; Arthrogryposis, distal, type 9. Identifiers: Orphanet 115, MedGen C0220668, MONDO:0007363, OMIM 121050.

Allele frequency attached by ClinVar (database versions not stated): ExAC 0.00001.
gnomAD v4.1: 2 of 1,610,450 alleles (0.00012%); highest among the groups gnomAD compares: Non-Finnish European, 0.000085%; no homozygotes.

Submissions (2):

Labcorp Genetics (formerly Invitae), Labcorp
Classification: Benign for Congenital contractural arachnodactyly. Last evaluated: 2022-12-06. Review status: criteria provided, single submitter. Criteria: Invitae Variant Classification Sherloc (09022015). Collection method: clinical testing. Allele origin: germline.

ARUP Laboratories, Molecular Genetics and Genomics, ARUP Laboratories
Classification: Uncertain significance. Last evaluated: 2021-03-09. Review status: criteria provided, single submitter. Criteria: ARUP Molecular Germline Variant Investigation Process 2021. Collection method: clinical testing. Allele origin: germline.
Comment: The FBN2 c.251G>A; p.Arg84Gln variant (rs747084358), to our knowledge, is not reported in the medical literature or gene-specific databases. This variant is found on a single chromosome in the Genome Aggregation Database (1/241528 alleles), indicating it is not a common polymorphism. The arginine at codon 84 is weakly conserved, and computational analyses are uncertain whether this variant is neutral or deleterious (REVEL: 0.427). However, given the lack of clinical and functional data, the significance of the p.Arg84Gln variant is uncertain at this time.